The following is an entry in ClinVar:

ClinVar aggregate classification (germline): Benign/Likely benign. Review status: criteria provided, multiple submitters, no conflicts (2 of 4 stars). 6 submissions from 6 submitters: Benign (1); Likely benign (4). 1 of the submissions does not count toward it. Last evaluated 2025-11-25.

Conditions:
BARD1-related disorder. Also called: BARD1-related condition.
Hereditary cancer-predisposing syndrome. Also called: Hereditary neoplastic syndrome; Hereditary Cancer Syndrome; Neoplastic Syndromes, Hereditary; Tumor predisposition. Identifiers: Orphanet 140162, MedGen C0027672, MeSH D009386, MONDO:0015356.
Familial cancer of breast. Also called: Hereditary breast cancer; BREAST CANCER, FAMILIAL; hereditary breast carcinoma. Identifiers: Orphanet 227535, MedGen C0346153, MONDO:0016419, OMIM 114480. Disease mechanism: loss of function.

Allele frequency attached by ClinVar (database versions not stated): TOPMed 0.00004; ExAC 0.00005; ESP Exome Variant Server 0.00015.
gnomAD v4.1: 30 of 1,614,034 alleles (0.0019%); highest among the groups gnomAD compares: Middle Eastern, 0.033%; no homozygotes.

Submissions (6):

Labcorp Genetics (formerly Invitae), Labcorp
Classification: Likely benign for Familial cancer of breast. Last evaluated: 2025-11-25. Review status: criteria provided, single submitter. Criteria: Invitae Variant Classification Sherloc (09022015). Collection method: clinical testing. Allele origin: germline.

Myriad Genetics, Inc.
Classification: Benign for Familial cancer of breast. Last evaluated: 2024-07-30. Review status: criteria provided, single submitter. Criteria: Myriad Autosomal Dominant, Autosomal Recessive and X-Linked Classification Criteria (2023). Collection method: clinical testing. Allele origin: unknown.
Comment: This variant is considered benign. This variant is a silent/synonymous amino acid change and it is not expected to impact splicing.

GeneDx
Classification: Likely benign. Last evaluated: 2018-06-26. Review status: criteria provided, single submitter. Criteria: GeneDx Variant Classification Process June 2021. Collection method: clinical testing. Allele origin: germline. Affected: yes.

Color Diagnostics, LLC DBA Color Health
Classification: Likely benign for Hereditary cancer-predisposing syndrome. Last evaluated: 2015-12-14. Review status: criteria provided, single submitter. Criteria: ACMG Guidelines, 2015. Collection method: clinical testing. Allele origin: germline.

Ambry Genetics
Classification: Likely benign for Hereditary cancer-predisposing syndrome. Last evaluated: 2015-01-08. Review status: criteria provided, single submitter. Criteria: Ambry Variant Classification Scheme 2023. Collection method: clinical testing. Allele origin: germline.

PreventionGenetics, part of Exact Sciences
Classification: Likely benign for BARD1-related condition. Last evaluated: 2023-01-27. Review status: no assertion criteria provided. Collection method: clinical testing. Allele origin: germline. Not counted in ClinVar's aggregate classification.
Comment: This variant is classified as likely benign based on ACMG/AMP sequence variant interpretation guidelines (Richards et al. 2015 PMID: 25741868, with internal and published modifications).

NM_000465.4(BARD1):c.2160C>T (p.Val720=)

Gene: BARD1 (BRCA1 associated RING domain 1; minus strand). Cytogenetic location: 2q35.
Variant type: single nucleotide variant.
Coding change: c.2160C>T on transcript NM_000465.4 (MANE Select); coding-DNA position 2160, C replaced by T.
Protein change: p.Val720=; no amino-acid change (valine 720 retained).
Molecular consequence: synonymous variant. On other transcripts: non-coding transcript variant (3).
Genome position (GRCh38, 1-based): chr2:214,728,850, G>A on the plus strand (C>T on the coding strand, the complement: BARD1 is on the minus strand). VCF-style: chr2-214728850-G-A. GRCh37 (hg19) VCF-style: chr2-215593574-G-A.
Other names: c.2103C>T, p.Val701= (NM_001282543.2); c.807C>T, p.Val269= (NM_001282545.2); c.750C>T, p.Val250= (NM_001282548.2); c.621C>T, p.Val207= (NM_001282549.2).
Identifiers: ClinVar variation 229983 (VCV000229983.61), dbSNP rs137888190, ClinGen allele CA2090070.